The following is an entry in ClinVar:

NM_025137.4(SPG11):c.1727A>G (p.Tyr576Cys)

Gene: SPG11 (SPG11 vesicle trafficking associated, spatacsin; minus strand). Cytogenetic location: 15q21.1.
Variant type: single nucleotide variant.
Coding change: c.1727A>G on transcript NM_025137.4 (MANE Select); coding-DNA position 1727, A replaced by G.
Protein change: p.Tyr576Cys; replaces tyrosine 576 with cysteine.
Molecular consequence: missense variant.
Genome position (GRCh38, 1-based): chr15:44,633,513, T>C on the plus strand (A>G on the coding strand, the complement: SPG11 is on the minus strand). VCF-style: chr15-44633513-T-C. GRCh37 (hg19) VCF-style: chr15-44925711-T-C.
Other names: c.1727A>G, p.Tyr576Cys (NM_001160227.2, NM_001411132.1); c.1727A>G (NM_025137.3); short protein forms Y576C.
Identifiers: ClinVar variation 1956043 (VCV001956043.5), dbSNP rs2141056577, ClinGen allele CA392235180.

ClinVar aggregate classification (germline): Uncertain significance. Review status: criteria provided, multiple submitters, no conflicts (2 of 4 stars). 2 submissions from 2 submitters: Uncertain significance (2). Last evaluated 2025-08-23.

Conditions:
Inborn genetic diseases. Identifiers: MedGen C0950123, MeSH D030342.
Hereditary spastic paraplegia 11. Also called: Spastic paraplegia, mental retardation and thin corpus callosum; Spastic Paraplegia 11; Nakamura Osame syndrome; Autosomal recessive hereditary spastic paraplegia, mental impairment, and thin corpus callosum; SPASTIC PARAPLEGIA, AUTOSOMAL RECESSIVE, COMPLICATED, WITH THIN CORPUS CALLOSUM; SPASTIC PARAPLEGIA, AUTOSOMAL RECESSIVE, WITH MENTAL IMPAIRMENT AND THIN CORPUS CALLOSUM. Identifiers: Orphanet 2822, MedGen C1858479, MONDO:0011445, OMIM 604360.

Submissions (2):

Ambry Genetics
Classification: Uncertain significance for Inborn genetic diseases. Last evaluated: 2025-08-23. Review status: criteria provided, single submitter. Criteria: Ambry Variant Classification Scheme 2023. Collection method: clinical testing. Allele origin: germline.

Labcorp Genetics (formerly Invitae), Labcorp
Classification: Uncertain significance for Hereditary spastic paraplegia 11. Last evaluated: 2024-02-24. Review status: criteria provided, single submitter. Criteria: Invitae Variant Classification Sherloc (09022015). Collection method: clinical testing. Allele origin: germline.
Comment: This sequence change replaces tyrosine, which is neutral and polar, with cysteine, which is neutral and slightly polar, at codon 576 of the SPG11 protein (p.Tyr576Cys). This variant is not present in population databases (gnomAD no frequency). This variant has not been reported in the literature in individuals affected with SPG11-related conditions. ClinVar contains an entry for this variant (Variation ID: 1956043). An algorithm developed to predict the effect of missense changes on protein structure and function (PolyPhen-2) suggests that this variant is likely to be disruptive. In summary, the available evidence is currently insufficient to determine the role of this variant in disease. Therefore, it has been classified as a Variant of Uncertain Significance.